The following is an entry in ClinVar:

ClinVar aggregate classification (germline): Uncertain significance. Review status: criteria provided, multiple submitters, no conflicts (2 of 4 stars). 6 submissions from 6 submitters: Uncertain significance (5). 1 of the submissions does not count toward it. Last evaluated 2023-10-28.

Conditions:
CHEK2-related disorder.
Hereditary cancer-predisposing syndrome. Also called: Tumor predisposition; Neoplastic Syndromes, Hereditary; Hereditary neoplastic syndrome; Hereditary Cancer Syndrome. Identifiers: Orphanet 140162, MedGen C0027672, MeSH D009386, MONDO:0015356.
Familial cancer of breast. Also called: Hereditary breast cancer; hereditary breast carcinoma; BREAST CANCER, FAMILIAL. Identifiers: Orphanet 227535, MedGen C0346153, MONDO:0016419, OMIM 114480. Disease mechanism: loss of function.

Allele frequency attached by ClinVar (database versions not stated): TOPMed 0.00001.

Submissions (6):

Labcorp Genetics (formerly Invitae), Labcorp
Classification: Uncertain significance for Familial cancer of breast. Last evaluated: 2023-10-28. Review status: criteria provided, single submitter. Criteria: Invitae Variant Classification Sherloc (09022015). Collection method: clinical testing. Allele origin: germline.
Comment: This sequence change replaces threonine, which is neutral and polar, with isoleucine, which is neutral and non-polar, at codon 477 of the CHEK2 protein (p.Thr477Ile). This variant is not present in population databases (gnomAD no frequency). This variant has not been reported in the literature in individuals affected with CHEK2-related conditions. ClinVar contains an entry for this variant (Variation ID: 496343). An algorithm developed to predict the effect of missense changes on protein structure and function (PolyPhen-2) suggests that this variant is likely to be disruptive. In summary, the available evidence is currently insufficient to determine the role of this variant in disease. Therefore, it has been classified as a Variant of Uncertain Significance.

GeneDx
Classification: Uncertain significance. Last evaluated: 2022-12-16. Review status: criteria provided, single submitter. Criteria: GeneDx Variant Classification Process June 2021. Collection method: clinical testing. Allele origin: germline. Affected: yes.
Comment: Not observed at significant frequency in large population cohorts (gnomAD); In silico analysis supports that this missense variant does not alter protein structure/function; Has not been previously published as pathogenic or benign to our knowledge; This variant is associated with the following publications: (PMID: 19782031, 22419737, 30287823)

Color Diagnostics, LLC DBA Color Health
Classification: Uncertain significance for Hereditary cancer-predisposing syndrome. Last evaluated: 2022-09-12. Review status: criteria provided, single submitter. Criteria: ACMG Guidelines, 2015. Collection method: clinical testing. Allele origin: germline.
Comment: This missense variant replaces threonine with isoleucine at codon 477 of the CHEK2 protein. Computational prediction suggests that this variant may not impact protein structure and function (internally defined REVEL score threshold <= 0.5, PMID: 27666373). To our knowledge, functional studies have not been reported for this variant. This variant has not been reported in individuals affected with hereditary cancer in the literature. This variant has not been identified in the general population by the Genome Aggregation Database (gnomAD). The available evidence is insufficient to determine the role of this variant in disease conclusively. Therefore, this variant is classified as a Variant of Uncertain Significance.

Ambry Genetics
Classification: Uncertain significance for Hereditary cancer-predisposing syndrome. Last evaluated: 2021-07-11. Review status: criteria provided, single submitter. Criteria: Ambry Variant Classification Scheme 2023. Collection method: clinical testing. Allele origin: germline.
Comment: The p.T477I variant (also known as c.1430C>T), located in coding exon 12 of the CHEK2 gene, results from a C to T substitution at nucleotide position 1430. The threonine at codon 477 is replaced by isoleucine, an amino acid with similar properties. This amino acid position is conserved. In addition, this alteration is predicted to be tolerated by in silico analysis. Since supporting evidence is limited at this time, the clinical significance of this alteration remains unclear.

Women's Health and Genetics/Laboratory Corporation of America, LabCorp
Classification: Uncertain significance. Last evaluated: 2017-05-15. Review status: criteria provided, single submitter. Criteria: LabCorp Variant Classification Summary - May 2015. Collection method: clinical testing. Allele origin: germline.
Comment: Variant summary: The CHEK2 c.1430C>T (p.Thr477Ile) variant involves the alteration of a conserved nucleotide. 2/4 in silico tools predict a benign outcome for this variant (SNPsandGO not captured due to low reliability index). This variant is absent in 113468 control chromosomes. The variant of interest has not, to our knowledge, been reported in affected individuals via publications and/or reputable databases/clinical diagnostic laboratories; nor evaluated for functional impact by in vivo/vitro studies. Because of the absence of clinical information and the lack of functional studies, the variant is classified as a variant of uncertain significance (VUS) until additional information becomes available.

PreventionGenetics, part of Exact Sciences
Classification: Uncertain significance for CHEK2-related condition. Last evaluated: 2024-01-12. Review status: no assertion criteria provided. Collection method: clinical testing. Allele origin: germline. Not counted in ClinVar's aggregate classification.
Comment: The CHEK2 c.1430C>T variant is predicted to result in the amino acid substitution p.Thr477Ile. To our knowledge, this variant has not been reported in the literature or in a large population database, indicating this variant is rare. This variant is interpreted as uncertain in ClinVar. At this time, the clinical significance of this variant is uncertain due to the absence of conclusive functional and genetic evidence.

NM_007194.4(CHEK2):c.1430C>T (p.Thr477Ile)

Gene: CHEK2 (checkpoint kinase 2; minus strand). Cytogenetic location: 22q12.1.
Variant type: single nucleotide variant.
Coding change: c.1430C>T on transcript NM_007194.4 (MANE Select); coding-DNA position 1430, C replaced by T.
Protein change: p.Thr477Ile; replaces threonine 477 with isoleucine.
Molecular consequence: missense variant.
Genome position (GRCh38, 1-based): chr22:28,694,063, G>A on the plus strand (C>T on the coding strand, the complement: CHEK2 is on the minus strand). VCF-style: chr22-28694063-G-A. GRCh37 (hg19) VCF-style: chr22-29090051-G-A.
Other names: c.1559C>T, p.Thr520Ile (NM_001005735.3); c.767C>T, p.Thr256Ile (NM_001257387.3); c.1229C>T, p.Thr410Ile (NM_001349956.3); c.1343C>T, p.Thr448Ile (NM_145862.3); short protein forms T477I, T448I, T256I, T520I, T410I.
Identifiers: ClinVar variation 496343 (VCV000496343.18), dbSNP rs762488591, ClinGen allele CA323004624.